The following is an entry in ClinVar:

NM_000039.3(APOA1):c.652G>C (p.Ala218Pro)

Gene: APOA1 (apolipoprotein A1; minus strand). Cytogenetic location: 11q23.3.
Variant type: single nucleotide variant.
Coding change: c.652G>C on transcript NM_000039.3 (MANE Select); coding-DNA position 652, G replaced by C.
Protein change: p.Ala218Pro; replaces alanine 218 with proline.
Molecular consequence: missense variant.
Genome position (GRCh38, 1-based): chr11:116,835,960, C>G on the plus strand (G>C on the coding strand, the complement: APOA1 is on the minus strand). VCF-style: chr11-116835960-C-G. GRCh37 (hg19) VCF-style: chr11-116706676-C-G.
Other names: c.652G>C, p.Ala218Pro (NM_001318018.2, NM_001425090.1, NM_001318017.2); c.325G>C, p.Ala109Pro (NM_001318021.2, NM_001425091.1, NM_001425092.1); c.607G>C, p.Ala203Pro (NM_001425093.1); short protein forms A109P, A203P, A218P.
Identifiers: ClinVar variation 4779509 (VCV004779509.1).

ClinVar aggregate classification (germline): Uncertain significance (1 of 4 stars; one submission).

Submission:

Labcorp Genetics (formerly Invitae), Labcorp
Classification: Uncertain significance. Last evaluated: 2025-05-17. Review status: criteria provided, single submitter. Criteria: Invitae Variant Classification Sherloc (09022015). Collection method: clinical testing. Allele origin: germline.
Comment: This sequence change replaces alanine, which is neutral and non-polar, with proline, which is neutral and non-polar, at codon 218 of the APOA1 protein (p.Ala218Pro). This variant is not present in population databases (gnomAD no frequency). This variant has not been reported in the literature in individuals affected with APOA1-related conditions. Invitae Evidence Modeling of protein sequence and biophysical properties (such as structural, functional, and spatial information, amino acid conservation, physicochemical variation, residue mobility, and thermodynamic stability) has been performed for this missense variant. However, the output from this modeling did not meet the statistical confidence thresholds required to predict the impact of this variant on APOA1 protein function. In summary, the available evidence is currently insufficient to determine the role of this variant in disease. Therefore, it has been classified as a Variant of Uncertain Significance.